The following is an entry in ClinVar:

NM_014055.4(IFT81):c.1066G>T (p.Glu356Ter)

Gene: IFT81 (intraflagellar transport 81; plus strand). Cytogenetic location: 12q24.11.
Variant type: single nucleotide variant.
Coding change: c.1066G>T on transcript NM_014055.4 (MANE Select); coding-DNA position 1066, G replaced by T.
Protein change: p.Glu356Ter; replaces glutamic acid 356 with a stop codon.
Molecular consequence: nonsense. On other transcripts: non-coding transcript variant (4).
Genome position (GRCh38, 1-based): chr12:110,162,943, G>T. VCF-style: chr12-110162943-G-T. GRCh37 (hg19) VCF-style: chr12-110600748-G-T.
Other names: c.1066G>T, p.Glu356Ter (NM_001143779.2, NM_001347946.2, NM_031473.4); c.136G>T, p.Glu46Ter (NM_001347947.2, NM_001347948.2); short protein forms E356*, E46*.
Identifiers: ClinVar variation 2691451 (VCV002691451.1), dbSNP rs2499921727, ClinGen allele CA386913847.

ClinVar aggregate classification (germline): Pathogenic (1 of 4 stars; one submission).

Conditions:
Short-rib thoracic dysplasia 19 with or without polydactyly. Identifiers: MedGen C4693524, MONDO:0033485, OMIM 617895.

Submission:

Women's Health and Genetics/Laboratory Corporation of America, LabCorp
Classification: Pathogenic for Short-rib thoracic dysplasia 19 with or without polydactyly. Last evaluated: 2023-12-29. Review status: criteria provided, single submitter. Criteria: LabCorp Variant Classification Summary - May 2015. Collection method: clinical testing. Allele origin: germline.
Comment: Variant summary: IFT81 c.1066G>T (p.Glu356X) results in a premature termination codon, predicted to cause a truncation of the encoded protein or absence of the protein due to nonsense mediated decay, which are commonly known mechanisms for disease. The variant was absent in 251054 control chromosomes. To our knowledge, no occurrence of c.1066G>T in individuals affected with Short-Rib Thoracic Dysplasia 19 With Or Without Polydactyly and no experimental evidence demonstrating its impact on protein function have been reported. No submitters have cited clinical-significance assessments for this variant to ClinVar after 2014. Based on the evidence outlined above, the variant was classified as pathogenic.